The following is an entry in ClinVar:

NM_003000.3(SDHB):c.360C>T (p.Asn120=)

Gene: SDHB (succinate dehydrogenase complex iron sulfur subunit B; minus strand). Cytogenetic location: 1p36.13.
Variant type: single nucleotide variant.
Coding change: c.360C>T on transcript NM_003000.3 (MANE Select); coding-DNA position 360, C replaced by T.
Protein change: p.Asn120=; no amino-acid change (asparagine 120 retained).
Molecular consequence: synonymous variant.
Genome position (GRCh38, 1-based): chr1:17,028,663, G>A on the plus strand (C>T on the coding strand, the complement: SDHB is on the minus strand). VCF-style: chr1-17028663-G-A. GRCh37 (hg19) VCF-style: chr1-17355158-G-A.
Other names: c.360C>T, p.Asn120= (NM_001407361.1).
Identifiers: ClinVar variation 3904618 (VCV003904618.1).

ClinVar aggregate classification (germline): Benign (1 of 4 stars; one submission).

Conditions:
Pheochromocytoma/paraganglioma syndrome 4. Also called: CAROTID BODY TUMORS AND MULTIPLE EXTRAADRENAL PHEOCHROMOCYTOMAS; PARAGANGLIOMA, FAMILIAL MALIGNANT; PARAGANGLIOMAS, HEREDITARY EXTRAADRENAL; PHEOCHROMOCYTOMA, FAMILIAL EXTRAADRENAL; Paragangliomas 4; SDHB-Related Hereditary Paraganglioma-Pheochromocytoma Syndrome (Paragangliomas 4). Identifiers: Orphanet 29072, MedGen C1861848, MONDO:0007273, OMIM 115310.

Submission:

Myriad Genetics, Inc.
Classification: Benign for Pheochromocytoma/paraganglioma syndrome 4. Last evaluated: 2025-03-12. Review status: criteria provided, single submitter. Criteria: Myriad Autosomal Dominant, Autosomal Recessive and X-Linked Classification Criteria (2023). Collection method: clinical testing. Allele origin: unknown.
Comment: This variant is considered benign. This variant is a silent/synonymous amino acid change and it is not expected to impact splicing.